The following is an entry in ClinVar:

ClinVar aggregate classification (germline): Uncertain significance (1 of 4 stars; one submission).

Conditions:
Bethlem myopathy 1A. Also called: Bethlem myopathy 1; Bethlem Muscular Dystrophy; MYOPATHY, BENIGN CONGENITAL, WITH CONTRACTURES. Identifiers: Orphanet 610, MedGen CN029274, MONDO:0024530, OMIM 158810.

Submission:

Labcorp Genetics (formerly Invitae), Labcorp
Classification: Uncertain significance for Bethlem myopathy 1A. Last evaluated: 2020-12-02. Review status: criteria provided, single submitter. Criteria: Invitae Variant Classification Sherloc (09022015). Collection method: clinical testing. Allele origin: germline.
Comment: In summary, the available evidence is currently insufficient to determine the role of this variant in disease. Therefore, it has been classified as a Variant of Uncertain Significance. Experimental studies and prediction algorithms are not available or were not evaluated, and the functional significance of this variant is currently unknown. This variant has not been reported in the literature in individuals with COL6A1-related conditions. This variant results in a copy number gain of the genomic region encompassing exon(s) 13-15 of the COL6A1 gene. While the exact position of this variant cannot be determined from the data, sub-genic copy number gains are generally in tandem (PMID: 25640679). This variant is predicted to be in-frame, and likely preserves the integrity of the reading frame.

Literature cited by the submitters: PubMed 25640679.

NC_000021.8:g.(?_47410282)_(47410965_?)dup

Gene: COL6A1 (collagen type VI alpha 1 chain; plus strand). Cytogenetic location: 21q22.3.
Variant type: Duplication.
Identifiers: ClinVar variation 1482200 (VCV001482200.6).